The following is an entry in ClinVar:

NM_003846.3(PEX11B):c.767G>T (p.Arg256Leu)

Gene: PEX11B (peroxisomal biogenesis factor 11 beta; minus strand). Cytogenetic location: 1q21.1.
Variant type: single nucleotide variant.
Coding change: c.767G>T on transcript NM_003846.3 (MANE Select); coding-DNA position 767, G replaced by T.
Protein change: p.Arg256Leu; replaces arginine 256 with leucine.
Molecular consequence: missense variant. On other transcripts: non-coding transcript variant (3).
Genome position (GRCh38, 1-based): chr1:145,912,174, C>A on the plus strand (G>T on the coding strand, the complement: PEX11B is on the minus strand). VCF-style: chr1-145912174-C-A. GRCh37 (hg19) VCF-style: chr1-145522906-G-T.
Other names: c.725G>T, p.Arg242Leu (NM_001184795.1); short protein forms R256L, R242L.
Identifiers: ClinVar variation 2180388 (VCV002180388.4), dbSNP rs200919340, ClinGen allele CA29812872.

ClinVar aggregate classification (germline): Uncertain significance (1 of 4 stars; one submission).

gnomAD v4.1: 17 of 1,604,640 alleles (0.0011%); highest among the groups gnomAD compares: Non-Finnish European, 0.0014%; no homozygotes.

Submission:

Labcorp Genetics (formerly Invitae), Labcorp
Classification: Uncertain significance. Last evaluated: 2024-10-22. Review status: criteria provided, single submitter. Criteria: Invitae Variant Classification Sherloc (09022015). Collection method: clinical testing. Allele origin: germline.
Comment: This sequence change replaces arginine, which is basic and polar, with leucine, which is neutral and non-polar, at codon 256 of the PEX11B protein (p.Arg256Leu). This variant is not present in population databases (gnomAD no frequency). This variant has not been reported in the literature in individuals affected with PEX11B-related conditions. ClinVar contains an entry for this variant (Variation ID: 2180388). An algorithm developed to predict the effect of missense changes on protein structure and function (PolyPhen-2) suggests that this variant is likely to be tolerated. In summary, the available evidence is currently insufficient to determine the role of this variant in disease. Therefore, it has been classified as a Variant of Uncertain Significance.